The following is an entry in ClinVar:

NM_001211.6(BUB1B):c.794A>C (p.Gln265Pro)

Gene: BUB1B (BUB1 mitotic checkpoint serine/threonine kinase B; plus strand). Cytogenetic location: 15q15.1.
Variant type: single nucleotide variant.
Coding change: c.794A>C on transcript NM_001211.6 (MANE Select); coding-DNA position 794, A replaced by C.
Protein change: p.Gln265Pro; replaces glutamine 265 with proline.
Molecular consequence: missense variant.
Genome position (GRCh38, 1-based): chr15:40,185,207, A>C. VCF-style: chr15-40185207-A-C. GRCh37 (hg19) VCF-style: chr15-40477408-A-C.
Other names: short protein forms Q265P.
Identifiers: ClinVar variation 1761347 (VCV001761347.2), dbSNP rs2542535343, ClinGen allele CA391683995.

ClinVar aggregate classification (germline): Uncertain significance (1 of 4 stars; one submission).

Conditions:
Inborn genetic diseases. Identifiers: MedGen C0950123, MeSH D030342.

Submission:

Ambry Genetics
Classification: Uncertain significance for Inborn genetic diseases. Last evaluated: 2021-11-30. Review status: criteria provided, single submitter. Criteria: Ambry Variant Classification Scheme 2023. Collection method: clinical testing. Allele origin: germline.
Comment: The p.Q265P variant (also known as c.794A>C), located in coding exon 7 of the BUB1B gene, results from an A to C substitution at nucleotide position 794. The glutamine at codon 265 is replaced by proline, an amino acid with similar properties. This amino acid position is conserved. In addition, this alteration is predicted to be tolerated by in silico analysis. Since supporting evidence is limited at this time, the clinical significance of this alteration remains unclear.